The following is an entry in ClinVar:

ClinVar aggregate classification (germline): Uncertain significance (1 of 4 stars; one submission).

Conditions:
Charcot-Marie-Tooth disease type 2. Also called: Charcot-Marie-Tooth type 2. Identifiers: Orphanet 64746, MedGen C0270914, MONDO:0018993.

Submission:

Labcorp Genetics (formerly Invitae), Labcorp
Classification: Uncertain significance for Charcot-Marie-Tooth disease type 2. Last evaluated: 2022-05-04. Review status: criteria provided, single submitter. Criteria: Invitae Variant Classification Sherloc (09022015). Collection method: clinical testing. Allele origin: germline.
Comment: In summary, the available evidence is currently insufficient to determine the role of this variant in disease. Therefore, it has been classified as a Variant of Uncertain Significance. This variant has not been reported in the literature in individuals affected with MED25-related conditions. This variant is not present in population databases (gnomAD no frequency). This sequence change creates a premature translational stop signal (p.Leu464Cysfs*133) in the MED25 gene. It is expected to result in an absent or disrupted protein product. However, the current clinical and genetic evidence is not sufficient to establish whether loss-of-function variants in MED25 cause disease.

NM_030973.4(MED25):c.1391del (p.Leu464fs)

Gene: MED25 (mediator complex subunit 25; plus strand). Cytogenetic location: 19q13.33.
Variant type: Deletion.
Coding change: c.1391del on transcript NM_030973.4 (MANE Select); coding-DNA position 1391, one base deleted (T; older notation c.1391delT).
Protein change: p.Leu464fs; shifts the reading frame from leucine 464.
Molecular consequence: frameshift variant.
Genome position (GRCh38, 1-based): chr19:49,832,324, T deleted; the last of 3 consecutive T bases (chr19:49,832,322-49,832,324); deleting any one gives the same sequence. VCF-style (leftmost placement, unchanged base first): chr19-49832321-CT-C. GRCh37 (hg19) VCF-style: chr19-50335578-CT-C.
Other names: c.1391del, p.Leu464fs (NM_001378355.1); short protein forms L464fs.
Identifiers: ClinVar variation 2421887 (VCV002421887.6), dbSNP rs2514515804, ClinGen allele CA2580097708.